The following is an entry in ClinVar:

NM_005343.4(HRAS):c.136A>G (p.Ile46Val)

Genes: HRAS (HRas proto-oncogene, GTPase; minus strand), LRRC56 (leucine rich repeat containing 56; plus strand). Cytogenetic location: 11p15.5.
Variant type: single nucleotide variant.
Coding change: c.136A>G on transcript NM_005343.4 (MANE Select); coding-DNA position 136, A replaced by G.
Protein change: p.Ile46Val; replaces isoleucine 46 with valine.
Molecular consequence: missense variant. On other transcripts: 5 prime UTR variant (1).
Genome position (GRCh38, 1-based): chr11:533,920, T>C on the plus strand (A>G on the coding strand, the complement: HRAS is on the minus strand). VCF-style: chr11-533920-T-C. GRCh37 (hg19) VCF-style: chr11-533920-T-C.
Other names: c.136A>G, p.Ile46Val (NM_001130442.3, NM_176795.5); c.-184A>G (NM_001318054.2); c.136A>G (NM_005343.2); short protein forms I46V.
Identifiers: ClinVar variation 1509551 (VCV001509551.9), dbSNP rs2133991578, ClinGen allele CA378924771.

ClinVar aggregate classification (germline): Uncertain significance. Review status: criteria provided, multiple submitters, no conflicts (2 of 4 stars). 2 submissions from 2 submitters: Uncertain significance (2). Last evaluated 2023-09-27.

Conditions:
Costello syndrome (CSTLO). Also called: FACIOCUTANEOSKELETAL SYNDROME; HRAS-Related Costello Syndrome; FCS SYNDROME. Identifiers: Orphanet 3071, MedGen C0587248, MONDO:0009026, OMIM 218040.

gnomAD v4.1: 1 of 1,612,706 alleles (0.000062%); no homozygotes.

Submissions (2):

GeneDx
Classification: Uncertain significance. Last evaluated: 2023-09-27. Review status: criteria provided, single submitter. Criteria: GeneDx Variant Classification Process June 2021. Collection method: clinical testing. Allele origin: germline. Affected: yes.
Comment: Not observed at significant frequency in large population cohorts (gnomAD); Missense variants in this gene are often considered pathogenic (HGMD); In silico analysis supports that this missense variant does not alter protein structure/function; Has not been previously published as pathogenic or benign to our knowledge

Labcorp Genetics (formerly Invitae), Labcorp
Classification: Uncertain significance for Costello syndrome. Last evaluated: 2023-03-04. Review status: criteria provided, single submitter. Criteria: Invitae Variant Classification Sherloc (09022015). Collection method: clinical testing. Allele origin: germline.
Comment: This sequence change replaces isoleucine, which is neutral and non-polar, with valine, which is neutral and non-polar, at codon 46 of the HRAS protein (p.Ile46Val). This variant is not present in population databases (gnomAD no frequency). This variant has not been reported in the literature in individuals affected with HRAS-related conditions. ClinVar contains an entry for this variant (Variation ID: 1509551). Advanced modeling of protein sequence and biophysical properties (such as structural, functional, and spatial information, amino acid conservation, physicochemical variation, residue mobility, and thermodynamic stability) performed at Invitae indicates that this missense variant is not expected to disrupt HRAS protein function. In summary, the available evidence is currently insufficient to determine the role of this variant in disease. Therefore, it has been classified as a Variant of Uncertain Significance.